The following is an entry in ClinVar:

ClinVar aggregate classification (germline): Uncertain significance. Review status: criteria provided, multiple submitters, no conflicts (2 of 4 stars). 3 submissions from 3 submitters: Uncertain significance (2). 1 of the submissions does not count toward it. Last evaluated 2024-05-04.

Conditions:
Bifunctional peroxisomal enzyme deficiency (DBIF). Also called: DBP DEFICIENCY; PBFE DEFICIENCY; D-bifunctional protein deficiency. Identifiers: Orphanet 300, MedGen C0342870, MONDO:0009855, OMIM 261515. Disease mechanism: loss of function.
Perrault syndrome. Also called: Gonadal dysgenesis with auditory dysfunction, autosomal recessive inheritance. Identifiers: Orphanet 2855, MedGen C0685838, MONDO:0017312.

Submissions (3):

Women's Health and Genetics/Laboratory Corporation of America, LabCorp
Classification: Uncertain significance. Last evaluated: 2024-05-04. Review status: criteria provided, single submitter. Criteria: LabCorp Variant Classification Summary - May 2015. Collection method: clinical testing. Allele origin: germline.
Comment: Variant summary: HSD17B4 c.216C>A (p.Asn72Lys) results in a non-conservative amino acid change in the encoded protein sequence. Five of five in-silico tools predict a damaging effect of the variant on protein function. The variant was absent in 247556 control chromosomes. c.216C>A has been reported in the literature in at least one homozygous individual affected with D-Bifunctional Protein Deficiency (Ferdinandusse_2006). These data indicate that the variant may be associated with disease. To our knowledge, no experimental evidence demonstrating an impact on protein function has been reported. The following publication has been ascertained in the context of this evaluation (PMID: 16385454). ClinVar contains an entry for this variant (Variation ID: 556948). Based on the evidence outlined above, the variant was classified as VUS-possibly pathogenic.

Labcorp Genetics (formerly Invitae), Labcorp
Classification: Uncertain significance for Perrault syndrome; Bifunctional peroxisomal enzyme deficiency. Last evaluated: 2021-08-14. Review status: criteria provided, single submitter. Criteria: Invitae Variant Classification Sherloc (09022015). Collection method: clinical testing. Allele origin: germline.
Comment: This sequence change replaces asparagine with lysine at codon 72 of the HSD17B4 protein (p.Asn72Lys). The asparagine residue is highly conserved and there is a moderate physicochemical difference between asparagine and lysine. This variant is not present in population databases (ExAC no frequency). This missense change has been observed in individual(s) with D-bifunctional protein deficiency (PMID: 16385454). ClinVar contains an entry for this variant (Variation ID: 556948). Advanced modeling of protein sequence and biophysical properties (such as structural, functional, and spatial information, amino acid conservation, physicochemical variation, residue mobility, and thermodynamic stability) performed at Invitae indicates that this missense variant is expected to disrupt HSD17B4 protein function. In summary, the available evidence is currently insufficient to determine the role of this variant in disease. Therefore, it has been classified as a Variant of Uncertain Significance.

Counsyl
Classification: Uncertain significance for Bifunctional peroxisomal enzyme deficiency. Last evaluated: 2018-02-27. Review status: no assertion criteria provided. Collection method: clinical testing. Allele origin: unknown. Not counted in ClinVar's aggregate classification.

Literature cited by the submitters: PubMed 16385454 (cited by 3 submitters).

NM_000414.4(HSD17B4):c.216C>A (p.Asn72Lys)

Gene: HSD17B4 (hydroxysteroid 17-beta dehydrogenase 4; plus strand). Cytogenetic location: 5q23.1.
Variant type: single nucleotide variant.
Coding change: c.216C>A on transcript NM_000414.4 (MANE Select); coding-DNA position 216, C replaced by A.
Protein change: p.Asn72Lys; replaces asparagine 72 with lysine.
Molecular consequence: missense variant. On other transcripts: 5 prime UTR variant (1).
Genome position (GRCh38, 1-based): chr5:119,474,011, C>A. VCF-style: chr5-119474011-C-A. GRCh37 (hg19) VCF-style: chr5-118809706-C-A.
Other names: c.291C>A, p.Asn97Lys (NM_001199291.3); c.162C>A, p.Asn54Lys (NM_001199292.2); c.144C>A, p.Asn48Lys (NM_001292027.2); c.-196C>A (NM_001292028.2); short protein forms N72K, N48K, N97K, N54K.
Identifiers: ClinVar variation 556948 (VCV000556948.5), dbSNP rs1554062124, ClinGen allele CA360864516.
Genomic context (GRCh38, chr5:119,474,011, plus strand): 5'-CTTAGCTGCTGATAAGGTTGTTGAAGAAATAAGAAGGAGAGGTGGAAAAGCAGTGGCCAA[C>A]TATGGTATGGTATTTGAGAGAACTATACTATTTATTTTCCTTCAACTAATGCTATTTGTC-3'
Protein context (NP_000405.1, residues 62-82): IRRRGGKAVA[Asn72Lys]YDSVEEGEKV